The following is an entry in ClinVar:

NM_001365480.1(CCDC88A):c.2672A>T (p.Lys891Met)

Gene: CCDC88A (coiled-coil domain containing 88A; minus strand). Cytogenetic location: 2p16.1.
Variant type: single nucleotide variant.
Coding change: c.2672A>T on transcript NM_001365480.1 (MANE Select); coding-DNA position 2672, A replaced by T.
Protein change: p.Lys891Met; replaces lysine 891 with methionine.
Molecular consequence: missense variant.
Genome position (GRCh38, 1-based): chr2:55,334,149, T>A on the plus strand (A>T on the coding strand, the complement: CCDC88A is on the minus strand). VCF-style: chr2-55334149-T-A. GRCh37 (hg19) VCF-style: chr2-55561285-T-A.
Other names: c.2672A>T, p.Lys891Met (NM_001135597.2, NM_001254943.2, NM_018084.5); short protein forms K891M.
Identifiers: ClinVar variation 1958224 (VCV001958224.3), dbSNP rs2544835002, ClinGen allele CA346897465.
Genomic context (GRCh38, chr2:55,334,149, plus strand): 5'-TTTACCTCACGTAGTGTAACCAACGTTTTTATATCAATAGTTGCTCTTTTCACAAGCTCC[T>A]TATTTTCTTTTTCTAGTTCTTTCAGACGGACACAAGATTCTTTATATATACCAATTTCTT-3'
Protein context (NP_001352409.1, residues 881-901): VRLKELEKEN[Lys891Met]ELVKRATIDI

ClinVar aggregate classification (germline): Uncertain significance (1 of 4 stars; one submission).

Allele frequency attached by ClinVar (database versions not stated): gnomAD exomes below 0.00001.
gnomAD v4.1: 2 of 1,345,236 alleles (0.00015%); highest among the groups gnomAD compares: Non-Finnish European, 0.00019%; no homozygotes.

Submission:

Labcorp Genetics (formerly Invitae), Labcorp
Classification: Uncertain significance. Last evaluated: 2022-07-27. Review status: criteria provided, single submitter. Criteria: Invitae Variant Classification Sherloc (09022015). Collection method: clinical testing. Allele origin: germline.
Comment: This sequence change replaces lysine, which is basic and polar, with methionine, which is neutral and non-polar, at codon 891 of the CCDC88A protein (p.Lys891Met). This variant is not present in population databases (gnomAD no frequency). This variant has not been reported in the literature in individuals affected with CCDC88A-related conditions. Algorithms developed to predict the effect of missense changes on protein structure and function are either unavailable or do not agree on the potential impact of this missense change (SIFT: "Deleterious"; PolyPhen-2: "Probably Damaging"; Align-GVGD: "Class C0"). In summary, the available evidence is currently insufficient to determine the role of this variant in disease. Therefore, it has been classified as a Variant of Uncertain Significance.